The following is an entry in ClinVar:

ClinVar aggregate classification (germline): Pathogenic (1 of 4 stars; one submission).

Conditions:
Autosomal recessive nonsyndromic hearing loss 12. Also called: DEAFNESS, AUTOSOMAL RECESSIVE 12. Identifiers: Orphanet 90636, MedGen C1832394, MONDO:0011067, OMIM 601386.

Submission:

Institute of Rare Diseases, West China Hospital, Sichuan University
Classification: Pathogenic for Autosomal recessive nonsyndromic hearing loss 12. Last evaluated: 2025-01-09. Review status: criteria provided, single submitter. Criteria: ClinGen HL ACMG Specifications v1. Collection method: research. Allele origin: germline. Affected: yes.
Comment: PVS1;PM3;PM2_Supporting

NM_022124.6(CDH23):c.3801del (p.Thr1267_Val1268insTer)

Genes: C10orf105 (chromosome 10 open reading frame 105; minus strand), CDH23 (cadherin related 23; plus strand). Cytogenetic location: 10q22.1.
Variant type: Deletion.
Coding change: c.3801del on transcript NM_022124.6 (MANE Select); coding-DNA position 3801, one base deleted (C; older notation c.3801delC).
Protein change: p.Thr1267_Val1268insTer.
Molecular consequence: frameshift variant. On other transcripts: intron variant (1).
Genome position (GRCh38, 1-based): chr10:71,732,072, C deleted; the last of 2 consecutive C bases (chr10:71,732,071-71,732,072); deleting either gives the same sequence. VCF-style (leftmost placement, unchanged base first): chr10-71732070-AC-A. GRCh37 (hg19) VCF-style: chr10-73491827-AC-A.
Other names: c.3801del, p.Thr1267_Val1268insTer (NM_001171930.2); c.-6+5657del (NM_001168390.2).
Identifiers: ClinVar variation 3601277 (VCV003601277.1).